The following is an entry in ClinVar:

NM_006269.2(RP1):c.2305A>T (p.Lys769Ter)

Gene: RP1 (RP1 axonemal microtubule associated; plus strand). Cytogenetic location: 8q12.1.
Variant type: single nucleotide variant.
Coding change: c.2305A>T on transcript NM_006269.2 (MANE Select); coding-DNA position 2305, A replaced by T.
Protein change: p.Lys769Ter; replaces lysine 769 with a stop codon.
Molecular consequence: nonsense. On other transcripts: intron variant (1).
Genome position (GRCh38, 1-based): chr8:54,626,187, A>T. VCF-style: chr8-54626187-A-T. GRCh37 (hg19) VCF-style: chr8-55538747-A-T.
Other names: c.787+3899A>T (NM_001375654.1); short protein forms K769*.
Identifiers: ClinVar variation 866299 (VCV000866299.40), dbSNP rs1488237523, ClinGen allele CA370993381.

ClinVar aggregate classification (germline): Pathogenic/Likely pathogenic. Review status: criteria provided, multiple submitters, no conflicts (2 of 4 stars). 4 submissions from 4 submitters: Pathogenic (2); Likely pathogenic (2). Last evaluated 2025-04-03.

Conditions:
Retinitis pigmentosa 1 (RP1). Identifiers: Orphanet 791, MedGen C0220701, MONDO:0008377, OMIM 180100.
RP1-related disorder. Also called: RP1-related condition.

Submissions (4):

Institute of Medical Genetics and Applied Genomics, University Hospital Tübingen
Classification: Pathogenic for Retinitis pigmentosa 1. Last evaluated: 2025-04-03. Review status: criteria provided, single submitter. Criteria: ACMG Guidelines, 2015. Collection method: clinical testing. Allele origin: germline. Inheritance: Autosomal dominant inheritance. Affected: yes.

CeGaT Center for Human Genetics Tuebingen
Classification: Likely pathogenic. Last evaluated: 2022-04-01. Review status: criteria provided, single submitter. Criteria: CeGaT Center For Human Genetics Tuebingen Variant Classification Criteria Version 2. Collection method: clinical testing. Allele origin: germline. Affected: yes. Observed: 1 variant allele.
Comment: RP1: PVS1:Strong, PM2, PP4

Labcorp Genetics (formerly Invitae), Labcorp
Classification: Pathogenic. Last evaluated: 2022-03-09. Review status: criteria provided, single submitter. Criteria: Invitae Variant Classification Sherloc (09022015). Collection method: clinical testing. Allele origin: germline.
Comment: For these reasons, this variant has been classified as Pathogenic. This variant disrupts a region of the RP1 protein in which other variant(s) (p.Ile2061Serfs*12) have been determined to be pathogenic (PMID: 11527933, 19933189, 29425069, 30027431). This suggests that this is a clinically significant region of the protein, and that variants that disrupt it are likely to be disease-causing. ClinVar contains an entry for this variant (Variation ID: 866299). This variant has not been reported in the literature in individuals affected with RP1-related conditions. This variant is not present in population databases (gnomAD no frequency). This sequence change creates a premature translational stop signal (p.Lys769*) in the RP1 gene. While this is not anticipated to result in nonsense mediated decay, it is expected to disrupt the last 1388 amino acid(s) of the RP1 protein.

Blueprint Genetics
Classification: Likely pathogenic for RP1-related disorders. Last evaluated: 2020-03-27. Review status: criteria provided, single submitter. Criteria: ACMG Guidelines, 2015. Collection method: clinical testing. Allele origin: germline. Affected: yes. Observed: 2 variant alleles.

Literature cited by the submitters: PubMed 11527933 (cited by Labcorp Genetics (formerly Invitae), Labcorp); PubMed 19933189 (cited by Labcorp Genetics (formerly Invitae), Labcorp); PubMed 29425069 (cited by Labcorp Genetics (formerly Invitae), Labcorp); PubMed 30027431 (cited by Labcorp Genetics (formerly Invitae), Labcorp).